The following is an entry in ClinVar:

ClinVar aggregate classification (germline): Uncertain significance. Review status: criteria provided, multiple submitters, no conflicts (2 of 4 stars). 3 submissions from 3 submitters: Uncertain significance (3). Last evaluated 2024-10-02.

Conditions:
Inborn genetic diseases. Identifiers: MedGen C0950123, MeSH D030342.

gnomAD v4.1: 2 of 1,613,388 alleles (0.00012%); highest among the groups gnomAD compares: African/African-American, 0.0027%; no homozygotes.

Submissions (3):

Labcorp Genetics (formerly Invitae), Labcorp
Classification: Uncertain significance. Last evaluated: 2024-10-02. Review status: criteria provided, single submitter. Criteria: Invitae Variant Classification Sherloc (09022015). Collection method: clinical testing. Allele origin: germline.
Comment: This sequence change replaces asparagine, which is neutral and polar, with lysine, which is basic and polar, at codon 220 of the PROM1 protein (p.Asn220Lys). This variant is not present in population databases (gnomAD no frequency). This variant has not been reported in the literature in individuals affected with PROM1-related conditions. ClinVar contains an entry for this variant (Variation ID: 2218406). Invitae Evidence Modeling of protein sequence and biophysical properties (such as structural, functional, and spatial information, amino acid conservation, physicochemical variation, residue mobility, and thermodynamic stability) indicates that this missense variant is not expected to disrupt PROM1 protein function with a negative predictive value of 80%. In summary, the available evidence is currently insufficient to determine the role of this variant in disease. Therefore, it has been classified as a Variant of Uncertain Significance.

Ambry Genetics
Classification: Uncertain significance for Inborn genetic diseases. Last evaluated: 2021-09-01. Review status: criteria provided, single submitter. Criteria: Ambry Variant Classification Scheme 2023. Collection method: clinical testing. Allele origin: germline.

Blueprint Genetics
Classification: Uncertain significance. Last evaluated: 2018-08-23. Review status: criteria provided, single submitter. Criteria: ACMG Guidelines, 2015. Collection method: clinical testing. Allele origin: germline.

NM_006017.3(PROM1):c.660C>G (p.Asn220Lys)

Gene: PROM1 (prominin 1; minus strand). Cytogenetic location: 4p15.32.
Variant type: single nucleotide variant.
Coding change: c.660C>G on transcript NM_006017.3 (MANE Select); coding-DNA position 660, C replaced by G.
Protein change: p.Asn220Lys; replaces asparagine 220 with lysine.
Molecular consequence: missense variant.
Genome position (GRCh38, 1-based): chr4:16,024,329, G>C on the plus strand (C>G on the coding strand, the complement: PROM1 is on the minus strand). VCF-style: chr4-16024329-G-C. GRCh37 (hg19) VCF-style: chr4-16025952-G-C.
Other names: c.633C>G, p.Asn211Lys (NM_001145847.2, NM_001145848.2, NM_001145851.2 and 4 more transcripts); c.660C>G, p.Asn220Lys (NM_001145849.2, NM_001145850.2); short protein forms N220K, N211K.
Identifiers: ClinVar variation 2218406 (VCV002218406.6), dbSNP rs1438591766, ClinGen allele CA356423977.